The following is an entry in ClinVar:

NM_000581.4(GPX1):c.252+138G>C

Gene: GPX1 (glutathione peroxidase 1; minus strand). Cytogenetic location: 3p21.31.
Variant type: single nucleotide variant.
Coding change: c.252+138G>C on transcript NM_000581.4 (MANE Select); 138 bases into the intron after coding-DNA position 252, G replaced by C.
Molecular consequence: intron variant. On other transcripts: 3 prime UTR variant (1), splice acceptor variant (1).
Genome position (GRCh38, 1-based): chr3:49,357,889, C>G on the plus strand (G>C on the coding strand, the complement: GPX1 is on the minus strand). VCF-style: chr3-49357889-C-G. GRCh37 (hg19) VCF-style: chr3-49395322-C-G.
Other names: c.*93G>C (NM_201397.3); c.115-142G>C (NM_001329455.2); c.253-123G>C (NM_001329503.2); c.253-1G>C (NM_001329502.2).
Identifiers: ClinVar variation 3353813 (VCV003353813.1).
Genomic context (GRCh38, chr3:49,357,889, plus strand): 5'-TGAGTCACCGGGATTTTGCCCTCCATGCGCAATCCCAAGGGCGGAGAGGAATTTCAGCAG[C>G]TACGAGCAACAGAAAGGAAACGAGAGAGTAGCCAGACTCTCCGCGCATGGAGCCGACGGC-3'

ClinVar aggregate classification (germline): Uncertain significance (0 of 4 stars; one submission).

Conditions:
GPX1-related disorder. Also called: GPX1-related condition.

Submission:

PreventionGenetics, part of Exact Sciences
Classification: Uncertain significance for GPX1-related condition. Last evaluated: 2024-08-26. Review status: no assertion criteria provided. Collection method: clinical testing. Allele origin: germline.
Comment: The GPX1 c.253-1G>C variant is predicted to disrupt the AG splice acceptor site and interfere with normal splicing. To our knowledge, this variant has not been reported in the literature or in a large population database, indicating this variant is rare. At this time, the clinical significance of this variant is uncertain due to the absence of conclusive functional and genetic evidence.